The following continues an entry in ClinVar:

NM_000059.4(BRCA2):c.9672dup (p.Tyr3225fs)

Gene: BRCA2. ClinVar aggregate classification (germline): Pathogenic. Pathogenic (1).

Submissions 17 to 28 of 28:

Laboratory for Molecular Medicine, Mass General Brigham Personalized Medicine
Classification: Pathogenic for Hereditary breast ovarian cancer syndrome. Last evaluated: 2016-10-28. Review status: criteria provided, single submitter. Criteria: LMM Criteria. Collection method: clinical testing. Allele origin: germline. Inheritance: Autosomal dominant inheritance. Observed: 1 variant allele. Not counted in ClinVar's aggregate classification.
Comment: The p.Tyr3225fs variant in BRCA2 has been reported in the heterozygous state in >30 individuals with BRCA2-associated cancers and in the compound heterozygous s tate in 1 individual with Fanconi anemia (Howlett 2002, Tea 2014, Hout 2006, Dru sedau 2013, Karami 2013, Breast Cancer Information Core (BIC) database). This va riant was absent from large population studies. This variant is predicted to cau se a frameshift, which alters the protein?s amino acid sequence beginning at pos ition 3225 and leads to a premature termination codon 30 amino acids downstream. Heterozygous loss of function of the BRCA2 gene is an established disease mecha nism in hereditary breast and ovarian cancer (HBOC). In summary, this variant me ets criteria to be classified as pathogenic for HBOC in an autosomal dominant ma nner.

Consortium of Investigators of Modifiers of BRCA1/2 (CIMBA), c/o University of Cambridge
Classification: Pathogenic for Breast-ovarian cancer, familial, susceptibility to, 2. Last evaluated: 2015-10-02. Review status: criteria provided, single submitter. Criteria: CIMBA Mutation Classification guidelines May 2016. Collection method: clinical testing. Allele origin: germline. Not counted in ClinVar's aggregate classification.

Clinical Genetics DNA and cytogenetics Diagnostics Lab, Erasmus MC, Erasmus Medical Center
Classification: Pathogenic for Breast-ovarian cancer, familial, susceptibility to, 2. Last evaluated: 2015-09-21. Review status: criteria provided, single submitter. Criteria: ACGS Guidelines, 2013. Collection method: clinical testing. Allele origin: germline. Affected: yes. Study: VKGL Data-share Consensus. Not counted in ClinVar's aggregate classification.

Molecular Genetics Laboratory, University of Michigan
Classification: Pathogenic for Breast-ovarian cancer, familial, susceptibility to, 2. Last evaluated: 2014-11-03. Review status: criteria provided, single submitter. Criteria: ACMG Guidelines, 2015. Collection method: clinical testing. Allele origin: germline. Affected: yes. Not counted in ClinVar's aggregate classification.

Genome Diagnostics Laboratory, University Medical Center Utrecht
Classification: Pathogenic for Breast-ovarian cancer, familial, susceptibility to, 2. Last evaluated: 2014-10-10. Review status: criteria provided, single submitter. Criteria: ACGS Guidelines, 2013. Collection method: clinical testing. Allele origin: germline. Affected: yes. Study: VKGL Data-share Consensus. Not counted in ClinVar's aggregate classification.

OMIM
Classification: Pathogenic for FANCONI ANEMIA, COMPLEMENTATION GROUP D1. Last evaluated: 2002-07-26. Review status: no assertion criteria provided. Collection method: literature only. Allele origin: germline. Not counted in ClinVar's aggregate classification.

Breast Cancer Information Core (BIC) (BRCA2)
Classification: Pathogenic for Breast-ovarian cancer, familial 2. Last evaluated: 2002-05-29. Review status: no assertion criteria provided. Collection method: clinical testing. Allele origin: germline. Affected: yes. Observed: 4 variant alleles. Not counted in ClinVar's aggregate classification.

Clinical Genetics Laboratory, Department of Pathology, Netherlands Cancer Institute
Classification: Pathogenic. Review status: no assertion criteria provided. Collection method: clinical testing. Allele origin: germline. Affected: yes. Study: VKGL Data-share Consensus. Not counted in ClinVar's aggregate classification.

Department of Pathology and Laboratory Medicine, Sinai Health System
Classification: Pathogenic for Malignant tumor of breast. Review status: no assertion criteria provided. Collection method: clinical testing. Allele origin: unknown. Affected: yes. Study: The Canadian Open Genetics Repository (COGR). Not counted in ClinVar's aggregate classification.
Comment: The BRCA2 p.Tyr3225IlefsX30 variant was identified in individuals with hereditary breast and ovarian cancer (Karami 2013, Vos 2014) in the Netherlands populations and in Fanconi Anemia patients (Barber 2005, Howlett 2002, Lee 2014, Offit 2003, Reid 2005Â¬Â¨, Wang 2004), although no frequency data was given. The variant was also identified in dbSNP (ID: rs80359773) as â€šÃ„ÃºWith Pathogenic alleleâ€šÃ„Ã¹, Clinvitae database (pathogenic, Invitae), ARUP Laboratories BRCA Mutations Database (as definitely pathogenic), the ClinVar database (pathogenic, by multiple submitters), GeneInsight COGR database (unclassified) the BIC database (4x with unknown clinical importance), and UMD (3x with a â€šÃ„Ãºcausalâ€šÃ„Ã¹ classification). The c.9672dupA variant is predicted to cause a frameshift, which alters the protein's amino acid sequence beginning at codon 3225 and leads to a premature stop codon at position 3254. This alteration is then predicted to result in a truncated or absent protein and loss of function. Loss of function variants of the BRCA2 gene are an established mechanism of disease in hereditary breast and ovarian cancer and is the type of variant expected to cause the disorder. In summary, based on the above information, this variant meets our laboratoryâ€šÃ„Ã´s criteria to be classified as pathogenic.

Diagnostic Laboratory, Department of Genetics, University Medical Center Groningen
Classification: Pathogenic for Breast-ovarian cancer, familial, susceptibility to, 2. Review status: no assertion criteria provided. Collection method: clinical testing. Allele origin: germline. Affected: yes. Study: VKGL Data-share Consensus. Not counted in ClinVar's aggregate classification.

Joint Genome Diagnostic Labs from Nijmegen and Maastricht, Radboudumc and MUMC+
Classification: Pathogenic. Review status: no assertion criteria provided. Collection method: clinical testing. Allele origin: germline. Affected: yes. Study: VKGL Data-share Consensus. Not counted in ClinVar's aggregate classification.

Laboratory of Diagnostic Genome Analysis, Leiden University Medical Center (LUMC)
Classification: Pathogenic. Review status: no assertion criteria provided. Collection method: clinical testing. Allele origin: germline. Affected: yes. Study: VKGL Data-share Consensus. Not counted in ClinVar's aggregate classification.

Literature cited by the submitters: PubMed 12065746 (cited by 7 submitters); PubMed 16683254 (cited by 5 submitters); PubMed 24156927 (cited by 7 submitters); PubMed 29753700 (cited by Labcorp Genetics (formerly Invitae), Labcorp and Ambry Genetics); PubMed 17026620 (cited by Labcorp Genetics (formerly Invitae), Labcorp); PubMed 18593900 (cited by Labcorp Genetics (formerly Invitae), Labcorp); PubMed 18607349 (cited by Labcorp Genetics (formerly Invitae), Labcorp); PubMed 22711857 (cited by Labcorp Genetics (formerly Invitae), Labcorp); PubMed 16920162 (cited by 3 submitters); PubMed 17515903 (cited by 4 submitters); PubMed 22720145 (cited by 4 submitters); PubMed 25452441 (cited by 4 submitters); PubMed 26740091 (cited by 3 submitters); PubMed 27153395 (cited by Color Diagnostics, LLC DBA Color Health and All of Us Research Program, National Institutes of Health); PubMed 31853058 (cited by Color Diagnostics, LLC DBA Color Health); PubMed 32341426 (cited by 3 submitters); PubMed 33293522 (cited by Color Diagnostics, LLC DBA Color Health); PubMed 40413188 (cited by Color Diagnostics, LLC DBA Color Health); PubMed 22921157 (cited by Ambry Genetics); PubMed 23531862 (cited by Ambry Genetics and Laboratory for Molecular Medicine, Mass General Brigham Personalized Medicine); PubMed 24312913 (cited by Ambry Genetics and Laboratory for Molecular Medicine, Mass General Brigham Personalized Medicine); PubMed 28152038 (cited by Ambry Genetics); PubMed 25103822 (cited by Quest Diagnostics Nichols Institute San Juan Capistrano); PubMed 16115142 (cited by Women's Health and Genetics/Laboratory Corporation of America, LabCorp); PubMed 26846091 (cited by Women's Health and Genetics/Laboratory Corporation of America, LabCorp); PubMed 29446198 (cited by Women's Health and Genetics/Laboratory Corporation of America, LabCorp); PubMed 10433620 (cited by OMIM).